The following is an entry in ClinVar:

NM_000094.4(COL7A1):c.1338G>A (p.Leu446=)

Gene: COL7A1 (collagen type VII alpha 1 chain; minus strand). Cytogenetic location: 3p21.31.
Variant type: single nucleotide variant.
Coding change: c.1338G>A on transcript NM_000094.4 (MANE Select); coding-DNA position 1338, G replaced by A.
Protein change: p.Leu446=; no amino-acid change (leucine 446 retained).
Molecular consequence: synonymous variant.
Genome position (GRCh38, 1-based): chr3:48,591,917, C>T on the plus strand (G>A on the coding strand, the complement: COL7A1 is on the minus strand). VCF-style: chr3-48591917-C-T. GRCh37 (hg19) VCF-style: chr3-48629350-C-T.
Identifiers: ClinVar variation 3719649 (VCV003719649.2).
Genomic context (GRCh38, chr3:48,591,917, plus strand): 5'-TGCCCTGACCCTTGCCTGTCCATCCCTTCCCCCGCACTGACCAGTCTCACGCCGCCATTC[C>T]AACCGGTAGCCACGGGCCTCAGGCACCAAGTTCCAGGAAAGGAGGATGGATGTGGGGCCC-3'
Protein context (NP_000085.1, residues 436-456): NLVPEARGYR[Leu446=]EWRRETGLEP

ClinVar aggregate classification (germline): Uncertain significance (1 of 4 stars; one submission).

gnomAD v4.1: 1 of 1,614,194 alleles (0.000062%); no homozygotes.

Submission:

Labcorp Genetics (formerly Invitae), Labcorp
Classification: Uncertain significance. Last evaluated: 2024-09-11. Review status: criteria provided, single submitter. Criteria: Invitae Variant Classification Sherloc (09022015). Collection method: clinical testing. Allele origin: germline.
Comment: This sequence change affects codon 446 of the COL7A1 mRNA. It is a 'silent' change, meaning that it does not change the encoded amino acid sequence of the COL7A1 protein. This variant is not present in population databases (gnomAD no frequency). This variant has not been reported in the literature in individuals affected with COL7A1-related conditions. Algorithms developed to predict the effect of sequence changes on RNA splicing suggest that this variant may create or strengthen a splice site. In summary, the available evidence is currently insufficient to determine the role of this variant in disease. Therefore, it has been classified as a Variant of Uncertain Significance.